The following is an entry in ClinVar:

ClinVar aggregate classification (germline): Uncertain significance. Review status: criteria provided, multiple submitters, no conflicts (2 of 4 stars). 4 submissions from 3 submitters: Uncertain significance (2). 2 of the submissions do not count toward it. Last evaluated 2025-09-09.

Conditions:
Leber congenital amaurosis 17 (LCA17). Identifiers: Orphanet 65, MedGen C3715164, MONDO:0014145, OMIM 615360.
Isolated microphthalmia 4. Identifiers: Orphanet 2542, MedGen C2751307, MONDO:0013130, OMIM 613094.
Microphthalmia, isolated, with coloboma 6 (MCOPCB6). Also called: MICROPHTHALMIA/COLOBOMA 6; Microphthalmia with coloboma 6, digenic; Microphthalmia with coloboma 6. Identifiers: Orphanet 98938, MedGen C3150968, MONDO:0013376, OMIM 613703.
Klippel-Feil syndrome 1, autosomal dominant (KFS1). Also called: CERVICAL VERTEBRAL FUSION, AUTOSOMAL DOMINANT. Identifiers: Orphanet 2345, MedGen C1861689, MONDO:0007306, OMIM 118100.

Allele frequency attached by ClinVar (database versions not stated): TOPMed 0.00001; gnomAD exomes 0.00002 and 0.00005; ExAC 0.00025.
gnomAD v4.1: 33 of 1,540,462 alleles (0.0021%); highest among the groups gnomAD compares: Middle Eastern, 0.036%; no homozygotes.

Submissions (4):

Labcorp Genetics (formerly Invitae), Labcorp
Classification: Uncertain significance for Isolated microphthalmia 4; Leber congenital amaurosis 17; Klippel-Feil syndrome 1, autosomal dominant; Microphthalmia, isolated, with coloboma 6. Last evaluated: 2025-09-09. Review status: criteria provided, single submitter. Criteria: Invitae Variant Classification Sherloc (09022015). Collection method: clinical testing. Allele origin: germline.
Comment: This sequence change replaces alanine, which is neutral and non-polar, with threonine, which is neutral and polar, at codon 199 of the GDF6 protein (p.Ala199Thr). The frequency data for this variant in the population databases is considered unreliable, as metrics indicate poor data quality at this position in the gnomAD database. This missense change has been observed in individual(s) with microphthalmia (PMID: 19864492, 23307924). ClinVar contains an entry for this variant (Variation ID: 30159). Invitae Evidence Modeling of protein sequence and biophysical properties (such as structural, functional, and spatial information, amino acid conservation, physicochemical variation, residue mobility, and thermodynamic stability) indicates that this missense variant is not expected to disrupt GDF6 protein function with a negative predictive value of 80%. Experimental studies have shown that this missense change affects GDF6 function (PMID: 19864492, 23307924). In summary, the available evidence is currently insufficient to determine the role of this variant in disease. Therefore, it has been classified as a Variant of Uncertain Significance.

Blueprint Genetics
Classification: Uncertain significance. Last evaluated: 2023-02-07. Review status: criteria provided, single submitter. Criteria: ACMG Guidelines, 2015. Collection method: clinical testing. Allele origin: germline.

OMIM
Classification: Pathogenic for MICROPHTHALMIA/COLOBOMA 6. Last evaluated: 2013-04-01. Review status: no assertion criteria provided. Collection method: literature only. Allele origin: germline. Not counted in ClinVar's aggregate classification.

OMIM
Classification: Pathogenic for LEBER CONGENITAL AMAUROSIS 17. Last evaluated: 2013-04-01. Review status: no assertion criteria provided. Collection method: literature only. Allele origin: germline. Not counted in ClinVar's aggregate classification.

Literature cited by the submitters: PubMed 19864492 (cited by Labcorp Genetics (formerly Invitae), Labcorp and OMIM); PubMed 23307924 (cited by Labcorp Genetics (formerly Invitae), Labcorp and OMIM).

NM_001001557.4(GDF6):c.595G>A (p.Ala199Thr)

Gene: GDF6 (growth differentiation factor 6; minus strand). Cytogenetic location: 8q22.1.
Variant type: single nucleotide variant.
Coding change: c.595G>A on transcript NM_001001557.4 (MANE Select); coding-DNA position 595, G replaced by A.
Protein change: p.Ala199Thr; replaces alanine 199 with threonine.
Molecular consequence: missense variant.
Genome position (GRCh38, 1-based): chr8:96,145,336, C>T on the plus strand (G>A on the coding strand, the complement: GDF6 is on the minus strand). VCF-style: chr8-96145336-C-T. GRCh37 (hg19) VCF-style: chr8-97157564-C-T.
Other names: short protein forms A199T.
Identifiers: ClinVar variation 30159 (VCV000030159.7), dbSNP rs387906794, ClinGen allele CA210806.